The following is an entry in ClinVar:

ClinVar aggregate classification (germline): Uncertain significance. Review status: criteria provided, multiple submitters, no conflicts (2 of 4 stars). 3 submissions from 3 submitters: Uncertain significance (3). Last evaluated 2023-12-27.

Conditions:
Bethlem myopathy 1A. Also called: MYOPATHY, BENIGN CONGENITAL, WITH CONTRACTURES; Bethlem myopathy 1; Bethlem Muscular Dystrophy. Identifiers: Orphanet 610, MedGen CN029274, MONDO:0024530, OMIM 158810.

Allele frequency attached by ClinVar (database versions not stated): gnomAD exomes 0.00001; TOPMed 0.00001; gnomAD 0.00001.
gnomAD v4.1: 8 of 1,613,900 alleles (0.0005%); highest among the groups gnomAD compares: African/African-American, 0.0013%; no homozygotes.

Submissions (3):

Blueprint Genetics
Classification: Uncertain significance. Last evaluated: 2023-12-27. Review status: criteria provided, single submitter. Criteria: ACMG Guidelines, 2015. Collection method: clinical testing. Allele origin: germline.

Labcorp Genetics (formerly Invitae), Labcorp
Classification: Uncertain significance for Bethlem myopathy 1A. Last evaluated: 2022-06-30. Review status: criteria provided, single submitter. Criteria: Invitae Variant Classification Sherloc (09022015). Collection method: clinical testing. Allele origin: germline.
Comment: In summary, the available evidence is currently insufficient to determine the role of this variant in disease. Therefore, it has been classified as a Variant of Uncertain Significance. Advanced modeling of protein sequence and biophysical properties (such as structural, functional, and spatial information, amino acid conservation, physicochemical variation, residue mobility, and thermodynamic stability) performed at Invitae indicates that this missense variant is not expected to disrupt COL6A3 protein function. ClinVar contains an entry for this variant (Variation ID: 285284). This variant has not been reported in the literature in individuals affected with COL6A3-related conditions. This variant is not present in population databases (gnomAD no frequency). This sequence change replaces isoleucine, which is neutral and non-polar, with threonine, which is neutral and polar, at codon 235 of the COL6A3 protein (p.Ile235Thr).

Eurofins Ntd Llc (ga)
Classification: Uncertain significance. Last evaluated: 2016-01-04. Review status: criteria provided, single submitter. Criteria: EGL Classification Definitions 2015. Collection method: clinical testing. Allele origin: germline. Observed: 2 variant alleles, 2 heterozygotes.

NM_004369.4(COL6A3):c.704T>C (p.Ile235Thr)

Gene: COL6A3 (collagen type VI alpha 3 chain; minus strand). Cytogenetic location: 2q37.3.
Variant type: single nucleotide variant.
Coding change: c.704T>C on transcript NM_004369.4 (MANE Select); coding-DNA position 704, T replaced by C.
Protein change: p.Ile235Thr; replaces isoleucine 235 with threonine.
Molecular consequence: missense variant. On other transcripts: intron variant (4).
Genome position (GRCh38, 1-based): chr2:237,394,592, A>G on the plus strand (T>C on the coding strand, the complement: COL6A3 is on the minus strand). VCF-style: chr2-237394592-A-G. GRCh37 (hg19) VCF-style: chr2-238303235-A-G.
Other names: c.91+2135T>C (NM_057166.5, NM_057167.4, NM_057164.5 and 1 more transcripts); short protein forms I235T.
Identifiers: ClinVar variation 285284 (VCV000285284.13), dbSNP rs886043065, ClinGen allele CA10605064.